The following is an entry in ClinVar:

NM_003072.5(SMARCA4):c.938C>T (p.Pro313Leu)

Gene: SMARCA4 (SWI/SNF related BAF chromatin remodeling complex subunit ATPase 4; plus strand). Cytogenetic location: 19p13.2.
Variant type: single nucleotide variant.
Coding change: c.938C>T on transcript NM_003072.5 (MANE Select); coding-DNA position 938, C replaced by T.
Protein change: p.Pro313Leu; replaces proline 313 with leucine.
Molecular consequence: missense variant. On other transcripts: non-coding transcript variant (1).
Genome position (GRCh38, 1-based): chr19:10,987,744, C>T. VCF-style: chr19-10987744-C-T. GRCh37 (hg19) VCF-style: chr19-11098420-C-T.
Other names: c.938C>T, p.Pro313Leu (NM_001128844.3, NM_001128845.2, NM_001128846.2 and 6 more transcripts); c.938C>T (NM_001128849.1); short protein forms P313L.
Identifiers: ClinVar variation 2009028 (VCV002009028.5), dbSNP rs752581107, ClinGen allele CA9203635.
Genomic context (GRCh38, chr19:10,987,744, plus strand): 5'-CTGCCCCCACGAGCACCCCTCAGAAGCTGATTCCCCCGCAGCCAACGGGCCGCCCTTCCC[C>T]CGCGCCCCCTGCCGTCCCACCCGCCGCCTCGCCCGTGATGCCACCGCAGACCCAGTCCCC-3'
Protein context (NP_003063.2, residues 303-323): IPPQPTGRPS[Pro313Leu]APPAVPPAAS

ClinVar aggregate classification (germline): Uncertain significance. Review status: criteria provided, multiple submitters, no conflicts (2 of 4 stars). 2 submissions from 2 submitters: Uncertain significance (2). Last evaluated 2024-12-06.

Conditions:
Rhabdoid tumor predisposition syndrome 2 (RTPS2). Identifiers: Orphanet 231108, Orphanet 69077, MedGen C2750074, MONDO:0013224, OMIM 613325.
Hereditary cancer-predisposing syndrome. Also called: Tumor predisposition; Neoplastic Syndromes, Hereditary; Hereditary Cancer Syndrome; Hereditary neoplastic syndrome. Identifiers: Orphanet 140162, MedGen C0027672, MeSH D009386, MONDO:0015356.

Allele frequency attached by ClinVar (database versions not stated): gnomAD exomes below 0.00001; ExAC 0.00001.
gnomAD v4.1: 2 of 1,602,676 alleles (0.00012%); highest among the groups gnomAD compares: South Asian, 0.0011%; no homozygotes.

Submissions (2):

Ambry Genetics
Classification: Uncertain significance for Hereditary cancer-predisposing syndrome. Last evaluated: 2024-12-06. Review status: criteria provided, single submitter. Criteria: Ambry Variant Classification Scheme 2023. Collection method: clinical testing. Allele origin: germline.
Comment: The p.P313L variant (also known as c.938C>T), located in coding exon 5 of the SMARCA4 gene, results from a C to T substitution at nucleotide position 938. The proline at codon 313 is replaced by leucine, an amino acid with similar properties. This amino acid position is conserved. In addition, the in silico prediction for this alteration is inconclusive. Based on the available evidence, the clinical significance of this variant remains unclear.

Labcorp Genetics (formerly Invitae), Labcorp
Classification: Uncertain significance for Rhabdoid tumor predisposition syndrome 2. Last evaluated: 2022-06-22. Review status: criteria provided, single submitter. Criteria: Invitae Variant Classification Sherloc (09022015). Collection method: clinical testing. Allele origin: germline.
Comment: In summary, the available evidence is currently insufficient to determine the role of this variant in disease. Therefore, it has been classified as a Variant of Uncertain Significance. This sequence change replaces proline, which is neutral and non-polar, with leucine, which is neutral and non-polar, at codon 313 of the SMARCA4 protein (p.Pro313Leu). The frequency data for this variant in the population databases is considered unreliable, as metrics indicate poor data quality at this position in the gnomAD database. This variant has not been reported in the literature in individuals affected with SMARCA4-related conditions. Algorithms developed to predict the effect of missense changes on protein structure and function (SIFT, PolyPhen-2, Align-GVGD) all suggest that this variant is likely to be disruptive.